The following is an entry in ClinVar:

ClinVar aggregate classification (germline): Uncertain significance (1 of 4 stars; one submission).

Conditions:
Hyperphosphatasia with impaired intellectual development syndrome 2. Also called: Hyperphosphatasia with intellectual disability syndrome 2; GLYCOSYLPHOSPHATIDYLINOSITOL BIOSYNTHESIS DEFECT 6. Identifiers: Orphanet 247262, MedGen C3553637, MONDO:0013882, OMIM 614749.

Allele frequency attached by ClinVar (database versions not stated): TOPMed below 0.00001.

Submission:

Labcorp Genetics (formerly Invitae), Labcorp
Classification: Uncertain significance for Hyperphosphatasia with impaired intellectual development syndrome 2. Last evaluated: 2021-08-25. Review status: criteria provided, single submitter. Criteria: Invitae Variant Classification Sherloc (09022015). Collection method: clinical testing. Allele origin: germline.
Comment: This sequence change replaces aspartic acid with glutamic acid at codon 981 of the PIGO protein (p.Asp981Glu). The aspartic acid residue is weakly conserved and there is a small physicochemical difference between aspartic acid and glutamic acid. This variant is not present in population databases (ExAC no frequency). This variant has not been reported in the literature in individuals affected with PIGO-related conditions. Algorithms developed to predict the effect of missense changes on protein structure and function output the following: SIFT: "Tolerated"; PolyPhen-2: "Benign"; Align-GVGD: "Class C0". The glutamic acid amino acid residue is found in multiple mammalian species, which suggests that this missense change does not adversely affect protein function. In summary, the available evidence is currently insufficient to determine the role of this variant in disease. Therefore, it has been classified as a Variant of Uncertain Significance.

NM_032634.4(PIGO):c.2943T>A (p.Asp981Glu)

Gene: PIGO (phosphatidylinositol glycan anchor biosynthesis class O; minus strand). Cytogenetic location: 9p13.3.
Variant type: single nucleotide variant.
Coding change: c.2943T>A on transcript NM_032634.4 (MANE Select); coding-DNA position 2943, T replaced by A.
Protein change: p.Asp981Glu; replaces aspartic acid 981 with glutamic acid.
Molecular consequence: missense variant.
Genome position (GRCh38, 1-based): chr9:35,090,192, A>T on the plus strand (T>A on the coding strand, the complement: PIGO is on the minus strand). VCF-style: chr9-35090192-A-T. GRCh37 (hg19) VCF-style: chr9-35090189-A-T.
Other names: c.1692T>A, p.Asp564Glu (NM_001201484.2, NM_152850.4); short protein forms D981E, D564E.
Identifiers: ClinVar variation 840540 (VCV000840540.7), dbSNP rs1829350572, ClinGen allele CA373317840.
Genomic context (GRCh38, chr9:35,090,192, plus strand): 5'-CGCATCCCGGAGCCGCATCTCCATCAGTGGCTCCTCTTCCTCCTCGGGTCTGACTCTGGC[A>T]TCAGCTTCATTCCCTGGGGGCTGCTGTCTCTTCCGCAGCCCTTGACTCTCACACAGGAAA-3'
Protein context (NP_116023.2, residues 971-991): KRQQPPGNEA[Asp981Glu]ARVRPEEEEE